The following is an entry in ClinVar:

NM_015272.5(RPGRIP1L):c.544G>A (p.Asp182Asn)

Gene: RPGRIP1L (RPGRIP1 like; minus strand). Cytogenetic location: 16q12.2.
Variant type: single nucleotide variant.
Coding change: c.544G>A on transcript NM_015272.5 (MANE Select); coding-DNA position 544, G replaced by A.
Protein change: p.Asp182Asn; replaces aspartic acid 182 with asparagine.
Molecular consequence: missense variant.
Genome position (GRCh38, 1-based): chr16:53,687,951, C>T on the plus strand (G>A on the coding strand, the complement: RPGRIP1L is on the minus strand). VCF-style: chr16-53687951-C-T. GRCh37 (hg19) VCF-style: chr16-53721863-C-T.
Other names: c.544G>A, p.Asp182Asn (NM_001127897.4, NM_001308334.3, NM_001330538.2); c.544G>A (NM_015272.4); short protein forms D182N.
Identifiers: ClinVar variation 1059506 (VCV001059506.8), dbSNP rs2151325702, ClinGen allele CA395924563.

ClinVar aggregate classification (germline): Uncertain significance. Review status: criteria provided, single submitter (1 of 4 stars). 3 submissions from 3 submitters: Uncertain significance (1). 2 of the submissions do not count toward it. Last evaluated 2021-09-01.

Conditions:
RPGRIP1L-related disorder. Also called: RPGRIP1L-related disorders; RPGRIP1L-related condition. Identifiers: MedGen CN239416.
Joubert syndrome. Also called: JOUBERT-BOLTSHAUSER SYNDROME; Familial aplasia of the vermis. Identifiers: Orphanet 475, MedGen C5979921, MONDO:0018772.
Meckel-Gruber syndrome. Also called: DYSENCEPHALIA SPLANCHNOCYSTICA; GRUBER SYNDROME; Dysencephalia splachnocystica. Identifiers: Orphanet 564, MedGen C0265215, MONDO:0018921.

Submissions (3):

Labcorp Genetics (formerly Invitae), Labcorp
Classification: Uncertain significance for Joubert syndrome; Meckel-Gruber syndrome. Last evaluated: 2021-09-01. Review status: criteria provided, single submitter. Criteria: Invitae Variant Classification Sherloc (09022015). Collection method: clinical testing. Allele origin: germline.
Comment: This sequence change replaces aspartic acid with asparagine at codon 182 of the RPGRIP1L protein (p.Asp182Asn). The aspartic acid residue is weakly conserved and there is a small physicochemical difference between aspartic acid and asparagine. This variant is not present in population databases (ExAC no frequency). This variant has not been reported in the literature in individuals affected with RPGRIP1L-related conditions. Algorithms developed to predict the effect of missense changes on protein structure and function output the following: SIFT: "Tolerated"; PolyPhen-2: "Benign"; Align-GVGD: "Class C0". The asparagine amino acid residue is found in multiple mammalian species, which suggests that this missense change does not adversely affect protein function. In summary, the available evidence is currently insufficient to determine the role of this variant in disease. Therefore, it has been classified as a Variant of Uncertain Significance.

PreventionGenetics, part of Exact Sciences
Classification: Uncertain significance for RPGRIP1L-related condition. Last evaluated: 2024-02-21. Review status: no assertion criteria provided. Collection method: clinical testing. Allele origin: germline. Not counted in ClinVar's aggregate classification.
Comment: The RPGRIP1L c.544G>A variant is predicted to result in the amino acid substitution p.Asp182Asn. To our knowledge, this variant has not been reported in the literature or in a large population database, indicating this variant is rare. At this time, the clinical significance of this variant is uncertain due to the absence of conclusive functional and genetic evidence.

Natera, Inc.
Classification: Uncertain significance for Joubert syndrome. Last evaluated: 2020-06-26. Review status: no assertion criteria provided. Collection method: clinical testing. Allele origin: germline. Not counted in ClinVar's aggregate classification.